The following is an entry in ClinVar:

ClinVar aggregate classification (germline): Likely benign (1 of 4 stars; one submission).

Conditions:
KIDINS220-related disorder. Also called: KIDINS220-related condition.

gnomAD v4.1: 20 of 1,606,772 alleles (0.0012%); highest among the groups gnomAD compares: Non-Finnish European, 0.0014%; no homozygotes.

Submission:

PreventionGenetics, part of Exact Sciences
Classification: Likely benign for KIDINS220-related condition. Last evaluated: 2025-08-21. Review status: criteria provided, single submitter. Criteria: ACMG Guidelines, 2015. Collection method: clinical testing. Allele origin: germline.
Comment: This variant is classified as likely benign based on ACMG/AMP sequence variant interpretation guidelines (Richards et al. 2015 PMID: 25741868, with internal and published modifications).

NM_020738.4(KIDINS220):c.276A>G (p.Lys92=)

Gene: KIDINS220 (kinase D interacting substrate 220; minus strand). Cytogenetic location: 2p25.1.
Variant type: single nucleotide variant.
Coding change: c.276A>G on transcript NM_020738.4 (MANE Select); coding-DNA position 276, A replaced by G.
Protein change: p.Lys92=; no amino-acid change (lysine 92 retained).
Molecular consequence: synonymous variant. On other transcripts: non-coding transcript variant (2).
Genome position (GRCh38, 1-based): chr2:8,817,648, T>C on the plus strand (A>G on the coding strand, the complement: KIDINS220 is on the minus strand). VCF-style: chr2-8817648-T-C. GRCh37 (hg19) VCF-style: chr2-8957778-T-C.
Other names: c.276A>G, p.Lys92= (NM_001348729.2, NM_001348731.2, NM_001348732.2 and 9 more transcripts); c.150A>G, p.Lys50= (NM_001348736.2).
Identifiers: ClinVar variation 4988174 (VCV004988174.1).